The following is an entry in ClinVar:

NM_001203.3(BMPR1B):c.1235G>A (p.Arg412Lys)

Gene: BMPR1B (bone morphogenetic protein receptor type 1B; plus strand). Cytogenetic location: 4q22.3.
Variant type: single nucleotide variant.
Coding change: c.1235G>A on transcript NM_001203.3 (MANE Select); coding-DNA position 1235, G replaced by A.
Protein change: p.Arg412Lys; replaces arginine 412 with lysine.
Molecular consequence: missense variant.
Genome position (GRCh38, 1-based): chr4:95,148,906, G>A. VCF-style: chr4-95148906-G-A. GRCh37 (hg19) VCF-style: chr4-96070057-G-A.
Other names: c.1235G>A, p.Arg412Lys (NM_001256792.2, NM_001256794.1); c.1325G>A, p.Arg442Lys (NM_001256793.2); short protein forms R412K, R442K.
Identifiers: ClinVar variation 1005597 (VCV001005597.9), dbSNP rs561948192, ClinGen allele CA101678385.

ClinVar aggregate classification (germline): Uncertain significance (1 of 4 stars; one submission).

Conditions:
Type A2 brachydactyly (BDA2). Also called: Brachymesophalangy type 2; MOHR-WRIEDT TYPE BRACHYDACTYLY; BRACHYMESOPHALANGY II. Identifiers: Orphanet 93396, MedGen C1832702, MONDO:0007216, OMIM 112600, HP:0009372.
Acromesomelic dysplasia 3 (AMD3). Also called: Acromesomelic dysplasia, Demirhan type; CHONDRODYSPLASIA, ACROMESOMELIC, WITH OR WITHOUT GENITAL ANOMALIES. Identifiers: MedGen C4225404, MONDO:0012274, OMIM 609441.

Allele frequency attached by ClinVar (database versions not stated): gnomAD exomes below 0.00001 and 0.00001; gnomAD 0.00001 and 0.00002; TOPMed 0.00001; 1000 Genomes Project 30x 0.00031; 1000 Genomes Project 0.00040.
gnomAD v4.1: 4 of 1,614,010 alleles (0.00025%); highest among the groups gnomAD compares: East Asian, 0.0089%; no homozygotes.

Submission:

Labcorp Genetics (formerly Invitae), Labcorp
Classification: Uncertain significance for Type A2 brachydactyly; Acromesomelic dysplasia 3. Last evaluated: 2022-07-05. Review status: criteria provided, single submitter. Criteria: Invitae Variant Classification Sherloc (09022015). Collection method: clinical testing. Allele origin: germline.
Comment: ClinVar contains an entry for this variant (Variation ID: 1005597). This variant has not been reported in the literature in individuals affected with BMPR1B-related conditions. This variant is not present in population databases (gnomAD no frequency). This sequence change replaces arginine, which is basic and polar, with lysine, which is basic and polar, at codon 412 of the BMPR1B protein (p.Arg412Lys). In summary, the available evidence is currently insufficient to determine the role of this variant in disease. Therefore, it has been classified as a Variant of Uncertain Significance. Advanced modeling of protein sequence and biophysical properties (such as structural, functional, and spatial information, amino acid conservation, physicochemical variation, residue mobility, and thermodynamic stability) performed at Invitae indicates that this missense variant is expected to disrupt BMPR1B protein function.